The following is an entry in ClinVar:

NM_006172.4(NPPA):c.346_354del (p.Arg116_Leu118del)

Genes: NPPA (natriuretic peptide A; minus strand), NPPA-AS1 (NPPA antisense RNA 1; plus strand), LOC114827827 (VISTA enhancer hs2123; plus strand). Cytogenetic location: 1p36.22.
Variant type: Deletion.
Coding change: c.346_354del on transcript NM_006172.4 (MANE Select); coding-DNA positions 346 to 354, 9 bases deleted (AGGGCGCTG; older notation c.346_354delAGGGCGCTG).
Protein change: p.Arg116_Leu118del.
Molecular consequence: inframe deletion.
Genome position (GRCh38, 1-based): chr1:11,847,209-11,847,217, CAGCGCCCT deleted on the plus strand (AGGGCGCTG on the coding strand, the reverse complement: NPPA is on the minus strand); deleting any 9 consecutive bases within chr1:11,847,209-11,847,221 gives the same sequence; the c. name uses the placement nearest the transcript's 3' end. VCF-style (leftmost placement, unchanged base first): chr1-11847208-GCAGCGCCCT-G. GRCh37 (hg19) VCF-style: chr1-11907265-GCAGCGCCCT-G.
Identifiers: ClinVar variation 840195 (VCV000840195.2), dbSNP rs768517567, ClinGen allele CA597020.
Genomic context (GRCh38, chr1:11,847,208, plus strand): 5'-CAATCCTGTCCATCCTGCCCCCGAAGCAGCTGGATCTCCGCAGGCTCCGAGGGGCAGTGA[GCAGCGCCCT>G]CAGCTTGCTTTTTAGGAGGGCAGATCGATCAGAGGAGTCCCAGGGGCCCCGCCCGAGGGC-3'

ClinVar aggregate classification (germline): Uncertain significance (1 of 4 stars; one submission).

Conditions:
Atrial fibrillation, familial, 6 (ATFB6). Identifiers: MedGen C2677294, MONDO:0012816, OMIM 612201.

Submission:

Labcorp Genetics (formerly Invitae), Labcorp
Classification: Uncertain significance for Atrial fibrillation, familial, 6. Last evaluated: 2025-05-04. Review status: criteria provided, single submitter. Criteria: Invitae Variant Classification Sherloc (09022015). Collection method: clinical testing. Allele origin: germline.
Comment: This variant, c.346_354del, results in the deletion of 3 amino acid(s) of the NPPA protein (p.Arg116_Leu118del), but otherwise preserves the integrity of the reading frame. This variant is present in population databases (rs768517567, gnomAD 0.002%). This variant has not been reported in the literature in individuals affected with NPPA-related conditions. ClinVar contains an entry for this variant (Variation ID: 840195). Experimental studies and prediction algorithms are not available or were not evaluated, and the functional significance of this variant is currently unknown. In summary, the available evidence is currently insufficient to determine the role of this variant in disease. Therefore, it has been classified as a Variant of Uncertain Significance.